The following is an entry in ClinVar:

NM_006005.3(WFS1):c.1692C>G (p.Phe564Leu)

Gene: WFS1 (wolframin ER transmembrane glycoprotein; plus strand). Cytogenetic location: 4p16.1.
Variant type: single nucleotide variant.
Coding change: c.1692C>G on transcript NM_006005.3 (MANE Select); coding-DNA position 1692, C replaced by G.
Protein change: p.Phe564Leu; replaces phenylalanine 564 with leucine.
Molecular consequence: missense variant.
Genome position (GRCh38, 1-based): chr4:6,301,487, C>G. VCF-style: chr4-6301487-C-G. GRCh37 (hg19) VCF-style: chr4-6303214-C-G.
Other names: c.1692C>G, p.Phe564Leu (NM_001145853.1); short protein forms F564L.
Identifiers: ClinVar variation 1411033 (VCV001411033.10), dbSNP rs140643985, ClinGen allele CA2839447.

ClinVar aggregate classification (germline): Uncertain significance. Review status: criteria provided, multiple submitters, no conflicts (2 of 4 stars). 3 submissions from 3 submitters: Uncertain significance (3). Last evaluated 2026-04-24.

Conditions:
Wolfram-like syndrome. Also called: HEARING LOSS, PROGRESSIVE, WITH OPTIC ATROPHY AND/OR IMPAIRED GLUCOSE REGULATION. Identifiers: Orphanet 411590, MedGen C3280358, MONDO:0013673, OMIM 614296.
Wolfram syndrome 1 (WFS1). Identifiers: Orphanet 3463, MedGen C4551693, MONDO:0009101, OMIM 222300.
Autosomal dominant nonsyndromic hearing loss 6 (LFSNHL). Also called: Autosomal dominant nonsyndromic deafness 6; DEAFNESS, AUTOSOMAL DOMINANT 6; DEAFNESS, AUTOSOMAL DOMINANT 14; DEAFNESS, AUTOSOMAL DOMINANT 38. Identifiers: Orphanet 90635, MedGen C1833021, MONDO:0010963, OMIM 600965.
Type 2 diabetes mellitus. Also called: Type II diabetes mellitus. Identifiers: MedGen C0011860, MeSH D003924, MONDO:0005148, OMIM 125853, HP:0005978.
Cataract 41 (CTRCT41). Also called: CATARACT 41, CONGENITAL NUCLEAR TYPE. Identifiers: Orphanet 91492, Orphanet 98991, Orphanet 98992, Orphanet 98995, MedGen C3805412, MONDO:0007287, OMIM 116400.

Allele frequency attached by ClinVar (database versions not stated): ESP Exome Variant Server 0.00015.
gnomAD v4.1: 24 of 1,612,920 alleles (0.0015%); highest among the groups gnomAD compares: African/African-American, 0.029%; no homozygotes.

Submissions (3):

GeneDx
Classification: Uncertain significance. Last evaluated: 2026-04-24. Review status: criteria provided, single submitter. Criteria: GeneDx Variant Classification Process June 2021. Collection method: clinical testing. Allele origin: germline.
Comment: In silico analysis suggests that this missense variant does not alter protein structure/function; Has not been previously published as pathogenic or benign to our knowledge

Labcorp Genetics (formerly Invitae), Labcorp
Classification: Uncertain significance. Last evaluated: 2025-06-18. Review status: criteria provided, single submitter. Criteria: Invitae Variant Classification Sherloc (09022015). Collection method: clinical testing. Allele origin: germline.
Comment: This sequence change replaces phenylalanine, which is neutral and non-polar, with leucine, which is neutral and non-polar, at codon 564 of the WFS1 protein (p.Phe564Leu). This variant is present in population databases (rs140643985, gnomAD 0.03%). This variant has not been reported in the literature in individuals affected with WFS1-related conditions. ClinVar contains an entry for this variant (Variation ID: 1411033). Invitae Evidence Modeling of protein sequence and biophysical properties (such as structural, functional, and spatial information, amino acid conservation, physicochemical variation, residue mobility, and thermodynamic stability) indicates that this missense variant is not expected to disrupt WFS1 protein function with a negative predictive value of 80%. In summary, the available evidence is currently insufficient to determine the role of this variant in disease. Therefore, it has been classified as a Variant of Uncertain Significance.

Fulgent Genetics
Classification: Uncertain significance for Cataract 41; Type 2 diabetes mellitus; Wolfram syndrome 1; Autosomal dominant nonsyndromic hearing loss 6; Wolfram-like syndrome. Last evaluated: 2024-03-13. Review status: criteria provided, single submitter. Criteria: ACMG Guidelines, 2015. Collection method: clinical testing. Allele origin: germline.